The following is an entry in ClinVar:

ClinVar aggregate classification (germline): Pathogenic (1 of 4 stars; one submission).

Conditions:
Neurofibromatosis, type 1 (NF1). Also called: Peripheral type neurofibromatosis; VON RECKLINGHAUSEN DISEASE; NEUROFIBROMATOSIS, TYPE I, SOMATIC; Neurofibromatosis, type I. Identifiers: Orphanet 636, MedGen C0027831, MONDO:0018975, OMIM 162200. Disease mechanism: loss of function.

Submission:

Labcorp Genetics (formerly Invitae), Labcorp
Classification: Pathogenic for Neurofibromatosis, type 1. Last evaluated: 2021-04-29. Review status: criteria provided, single submitter. Criteria: Invitae Variant Classification Sherloc (09022015). Collection method: clinical testing. Allele origin: germline.
Comment: This variant has not been reported in the literature in individuals with NF1-related conditions. This variant is not present in population databases (ExAC no frequency). For these reasons, this variant has been classified as Pathogenic. This sequence change creates a premature translational stop signal (p.Val1732Phefs*12) in the NF1 gene. It is expected to result in an absent or disrupted protein product. Loss-of-function variants in NF1 are known to be pathogenic (PMID: 10712197, 23913538).

Literature cited by the submitters: PubMed 10712197; PubMed 23913538.

NM_001042492.3(NF1):c.5256del (p.Val1753fs)

Gene: NF1 (neurofibromin 1; plus strand). Cytogenetic location: 17q11.2.
Variant type: Deletion.
Coding change: c.5256del on transcript NM_001042492.3 (MANE Select); coding-DNA position 5256, one base deleted (A; older notation c.5256delA).
Protein change: p.Val1753fs; shifts the reading frame from valine 1753.
Molecular consequence: frameshift variant.
Genome position (GRCh38, 1-based): chr17:31,326,240, A deleted; the last of 3 consecutive A bases (chr17:31,326,238-31,326,240); deleting any one gives the same sequence. VCF-style (leftmost placement, unchanged base first): chr17-31326237-CA-C. GRCh37 (hg19) VCF-style: chr17-29653255-CA-C.
Other names: c.5193delA, p.Val1732Phefs (NM_000267.4); short protein forms V1753fs, V1732fs.
Identifiers: ClinVar variation 1440585 (VCV001440585.6), dbSNP rs2069338311, ClinGen allele CA2573153384.